The following is an entry in ClinVar:

NM_001267550.2(TTN):c.103091T>C (p.Met34364Thr)

Genes: TTN (titin; minus strand), TTN-AS1 (TTN antisense RNA 1; plus strand). Cytogenetic location: 2q31.2.
Variant type: single nucleotide variant.
Coding change: c.103091T>C on transcript NM_001267550.2 (MANE Select); coding-DNA position 103091, T replaced by C.
Protein change: p.Met34364Thr; replaces methionine 34364 with threonine.
Molecular consequence: missense variant.
Genome position (GRCh38, 1-based): chr2:178,533,524, A>G on the plus strand (T>C on the coding strand, the complement: TTN is on the minus strand). VCF-style: chr2-178533524-A-G. GRCh37 (hg19) VCF-style: chr2-179398251-A-G.
Other names: c.98168T>C, p.Met32723Thr (NM_001256850.1); c.75896T>C, p.Met25299Thr (NM_003319.4); c.95387T>C, p.Met31796Thr (NM_133378.4); c.76271T>C, p.Met25424Thr (NM_133432.3); c.76472T>C, p.Met25491Thr (NM_133437.4); short protein forms M31796T, M25424T, M34364T, M25299T, M25491T, M32723T.
Identifiers: ClinVar variation 1435562 (VCV001435562.8), dbSNP rs1057273567, ClinGen allele CA60957571.

ClinVar aggregate classification (germline): Uncertain significance (1 of 4 stars; one submission).

Conditions:
Dilated cardiomyopathy 1G (CMD1G). Identifiers: Orphanet 154, MedGen C1858763, MONDO:0011400, OMIM 604145.
Autosomal recessive limb-girdle muscular dystrophy type 2J (LGMDR10). Also called: Limb-girdle muscular dystrophy, type 2J; MUSCULAR DYSTROPHY, LIMB-GIRDLE, AUTOSOMAL RECESSIVE 10. Identifiers: Orphanet 140922, MedGen C1837342, MONDO:0012127, OMIM 608807.

Allele frequency attached by ClinVar (database versions not stated): gnomAD exomes below 0.00001.
gnomAD v4.1: 6 of 1,613,738 alleles (0.00037%); highest among the groups gnomAD compares: Admixed American, 0.0017%; no homozygotes.

Submission:

Labcorp Genetics (formerly Invitae), Labcorp
Classification: Uncertain significance for Dilated cardiomyopathy 1G; Autosomal recessive limb-girdle muscular dystrophy type 2J. Last evaluated: 2022-11-24. Review status: criteria provided, single submitter. Criteria: Invitae Variant Classification Sherloc (09022015). Collection method: clinical testing. Allele origin: germline.
Comment: In summary, the available evidence is currently insufficient to determine the role of this variant in disease. Therefore, it has been classified as a Variant of Uncertain Significance. This sequence change replaces methionine, which is neutral and non-polar, with threonine, which is neutral and polar, at codon 34364 of the TTN protein (p.Met34364Thr). This variant is present in population databases (no rsID available, gnomAD 0.003%). This variant has not been reported in the literature in individuals affected with TTN-related conditions. ClinVar contains an entry for this variant (Variation ID: 1435562). Experimental studies and prediction algorithms are not available or were not evaluated, and the functional significance of this variant is currently unknown. This variant is located in the M band of TTN (PMID: 25589632). Variants in this region may be relevant for neuromuscular disorders, but have not been definitively shown to cause cardiomyopathy (PMID: 23975875).

Literature cited by the submitters: PubMed 25589632; PubMed 23975875.